The following is an entry in ClinVar:

ClinVar aggregate classification (germline): Conflicting classifications of pathogenicity. Review status: criteria provided, conflicting classifications (1 of 4 stars). 7 submissions from 7 submitters: Uncertain significance (1); Benign (3); Likely benign (2). 1 of the submissions does not count toward it. Last evaluated 2025-12-25.

Conditions:
AP5Z1-related disorder. Also called: AP5Z1-related condition.
Hereditary spastic paraplegia 48. Also called: Spastic paraplegia 48; SPASTIC PARAPLEGIA 48, AUTOSOMAL RECESSIVE. Identifiers: Orphanet 306511, MedGen C3150901, MONDO:0013342, OMIM 613647.

Allele frequency attached by ClinVar (database versions not stated): ESP Exome Variant Server 0.00202; TOPMed 0.00280; 1000 Genomes Project 0.00359; 1000 Genomes Project 30x 0.00375.
gnomAD v4.1: 705 of 1,551,900 alleles (0.045%); highest among the groups gnomAD compares: African/African-American, 0.82%; 4 homozygotes.

Submissions (7):

Labcorp Genetics (formerly Invitae), Labcorp
Classification: Benign for Hereditary spastic paraplegia 48. Last evaluated: 2025-12-25. Review status: criteria provided, single submitter. Criteria: Invitae Variant Classification Sherloc (09022015). Collection method: clinical testing. Allele origin: germline.

Mayo Clinic Laboratories, Mayo Clinic
Classification: Benign. Last evaluated: 2024-11-25. Review status: criteria provided, single submitter. Criteria: ACMG Guidelines, 2015. Collection method: clinical testing. Allele origin: germline. Observed: 2 variant alleles.
Comment: BS1, BS2, BP4, BP7

Blueprint Genetics
Classification: Likely benign. Last evaluated: 2024-08-06. Review status: criteria provided, single submitter. Criteria: ACMG Guidelines, 2015. Collection method: clinical testing. Allele origin: germline.

Athena Diagnostics
Classification: Benign. Last evaluated: 2023-10-30. Review status: criteria provided, single submitter. Criteria: Athena Diagnostics Criteria. Collection method: clinical testing. Allele origin: unknown.

GeneDx
Classification: Likely benign. Last evaluated: 2021-04-13. Review status: criteria provided, single submitter. Criteria: GeneDx Variant Classification Process June 2021. Collection method: clinical testing. Allele origin: germline. Affected: yes.

Illumina Laboratory Services, Illumina
Classification: Uncertain significance for Hereditary spastic paraplegia 48. Last evaluated: 2018-01-13. Review status: criteria provided, single submitter. Criteria: ICSL Variant Classification Criteria 13 December 2019. Collection method: clinical testing. Allele origin: germline.

PreventionGenetics, part of Exact Sciences
Classification: Likely benign for AP5Z1-related condition. Last evaluated: 2019-04-01. Review status: no assertion criteria provided. Collection method: clinical testing. Allele origin: germline. Not counted in ClinVar's aggregate classification.
Comment: This variant is classified as likely benign based on ACMG/AMP sequence variant interpretation guidelines (Richards et al. 2015 PMID: 25741868, with internal and published modifications).

NM_014855.3(AP5Z1):c.1315C>T (p.Leu439=)

Gene: AP5Z1 (adaptor related protein complex 5 subunit zeta 1; plus strand). Cytogenetic location: 7p22.1.
Variant type: single nucleotide variant.
Coding change: c.1315C>T on transcript NM_014855.3 (MANE Select); coding-DNA position 1315, C replaced by T.
Protein change: p.Leu439=; no amino-acid change (leucine 439 retained).
Molecular consequence: synonymous variant. On other transcripts: non-coding transcript variant (1).
Genome position (GRCh38, 1-based): chr7:4,787,637, C>T. VCF-style: chr7-4787637-C-T. GRCh37 (hg19) VCF-style: chr7-4827268-C-T.
Other names: p.Leu439=; c.1315C>T, p.Leu439= (LRG_1247t1); c.847C>T, p.Leu283= (NM_001364858.1).
Identifiers: ClinVar variation 360325 (VCV000360325.23), dbSNP rs113014863, ClinGen allele CA4137762.